The following is an entry in ClinVar:

ClinVar aggregate classification (germline): Uncertain significance (1 of 4 stars; one submission).

Conditions:
Developmental and epileptic encephalopathy, 18 (DEE18). Also called: Early infantile epileptic encephalopathy 18. Identifiers: Orphanet 369894, MedGen C3809624, MONDO:0014201, OMIM 615476.

Allele frequency attached by ClinVar (database versions not stated): TOPMed below 0.00001; gnomAD exomes 0.00001.
gnomAD v4.1: 3 of 1,614,188 alleles (0.00019%); highest among the groups gnomAD compares: Non-Finnish European, 0.00025%; no homozygotes.

Submission:

Labcorp Genetics (formerly Invitae), Labcorp
Classification: Uncertain significance. Last evaluated: 2024-02-16. Review status: criteria provided, single submitter. Criteria: Invitae Variant Classification Sherloc (09022015). Collection method: clinical testing. Allele origin: germline.
Comment: This sequence change replaces alanine, which is neutral and non-polar, with threonine, which is neutral and polar, at codon 1373 of the SZT2 protein (p.Ala1373Thr). This variant is not present in population databases (gnomAD no frequency). This variant has not been reported in the literature in individuals affected with SZT2-related conditions. ClinVar contains an entry for this variant (Variation ID: 441040). Advanced modeling of protein sequence and biophysical properties (such as structural, functional, and spatial information, amino acid conservation, physicochemical variation, residue mobility, and thermodynamic stability) performed at Invitae indicates that this missense variant is not expected to disrupt SZT2 protein function with a negative predictive value of 80%. In summary, the available evidence is currently insufficient to determine the role of this variant in disease. Therefore, it has been classified as a Variant of Uncertain Significance.

NM_001365999.1(SZT2):c.4288G>A (p.Ala1430Thr)

Gene: SZT2 (SZT2 subunit of KICSTOR complex; plus strand). Cytogenetic location: 1p34.2.
Variant type: single nucleotide variant.
Coding change: c.4288G>A on transcript NM_001365999.1 (MANE Select); coding-DNA position 4288, G replaced by A.
Protein change: p.Ala1430Thr; replaces alanine 1430 with threonine.
Molecular consequence: missense variant.
Genome position (GRCh38, 1-based): chr1:43,429,824, G>A. VCF-style: chr1-43429824-G-A. GRCh37 (hg19) VCF-style: chr1-43895495-G-A.
Other names: c.4117G>A, p.Ala1373Thr (NM_015284.4); short protein forms A1373T, A1430T.
Identifiers: ClinVar variation 441040 (VCV000441040.8), dbSNP rs1553149451, ClinGen allele CA340020703.